The following is an entry in ClinVar:

NM_006859.4(LIAS):c.-1A>G

Genes: LIAS (lipoic acid synthetase; plus strand), LOC112939935 (Sharpr-MPRA regulatory region 11886; plus strand). Cytogenetic location: 4p14.
Variant type: single nucleotide variant.
Coding change: c.-1A>G on transcript NM_006859.4 (MANE Select); 1 bases upstream of the start codon, A replaced by G.
Molecular consequence: 5 prime UTR variant.
Genome position (GRCh38, 1-based): chr4:39,459,117, A>G. VCF-style: chr4-39459117-A-G. GRCh37 (hg19) VCF-style: chr4-39460737-A-G.
Other names: c.-1A>G (NM_001278590.2, NM_001278591.2, NM_001278592.2 and 3 more transcripts).
Identifiers: ClinVar variation 597605 (VCV000597605.9), dbSNP rs139360916, ClinGen allele CA2894529.

ClinVar aggregate classification (germline): Conflicting classifications of pathogenicity. Review status: criteria provided, conflicting classifications (1 of 4 stars). 3 submissions from 3 submitters: Uncertain significance (1); Likely benign (1). 1 of the submissions does not count toward it. Last evaluated 2018-06-27.

Conditions:
LIAS-related disorder. Also called: LIAS-related condition.

Allele frequency attached by ClinVar (database versions not stated): 1000 Genomes Project 0.00040; 1000 Genomes Project 30x 0.00047; TOPMed 0.00013; ESP Exome Variant Server 0.00015.

Submissions (3):

Eurofins Ntd Llc (ga)
Classification: Uncertain significance. Last evaluated: 2018-06-27. Review status: criteria provided, single submitter. Criteria: EGL ClinVar v180209 classification definitions. Collection method: clinical testing. Allele origin: germline. Observed: 1 variant allele, 1 heterozygote.

GeneDx
Classification: Likely benign. Last evaluated: 2018-04-03. Review status: criteria provided, single submitter. Criteria: GeneDx Variant Classification (06012015). Collection method: clinical testing. Allele origin: germline. Affected: yes.
Comment: This variant is considered likely benign or benign based on one or more of the following criteria: it is a conservative change, it occurs at a poorly conserved position in the protein, it is predicted to be benign by multiple in silico algorithms, and/or has population frequency not consistent with disease.

PreventionGenetics, part of Exact Sciences
Classification: Likely benign for LIAS-related condition. Last evaluated: 2019-12-16. Review status: no assertion criteria provided. Collection method: clinical testing. Allele origin: germline. Not counted in ClinVar's aggregate classification.
Comment: This variant is classified as likely benign based on ACMG/AMP sequence variant interpretation guidelines (Richards et al. 2015 PMID: 25741868, with internal and published modifications).